The following is an entry in ClinVar:

ClinVar aggregate classification (germline): Uncertain significance (1 of 4 stars; one submission).

Submission:

Ambry Genetics
Classification: Uncertain significance. Last evaluated: 2025-05-27. Review status: criteria provided, single submitter. Criteria: Ambry Variant Classification Scheme 2023. Collection method: clinical testing. Allele origin: germline.
Comment: The p.G94A variant (also known as c.281G>C), located in coding exon 1 of the MLH3 gene, results from a G to C substitution at nucleotide position 281. The glycine at codon 94 is replaced by alanine, an amino acid with similar properties. This amino acid position is conserved. In addition, this alteration is predicted to be deleterious by in silico analysis. Based on the available evidence, the clinical significance of this variant remains unclear.

NM_001040108.2(MLH3):c.281G>C (p.Gly94Ala)

Gene: MLH3 (mutL homolog 3; minus strand). Cytogenetic location: 14q24.3.
Variant type: single nucleotide variant.
Coding change: c.281G>C on transcript NM_001040108.2 (MANE Select); coding-DNA position 281, G replaced by C.
Protein change: p.Gly94Ala; replaces glycine 94 with alanine.
Molecular consequence: missense variant.
Genome position (GRCh38, 1-based): chr14:75,049,375, C>G on the plus strand (G>C on the coding strand, the complement: MLH3 is on the minus strand). VCF-style: chr14-75049375-C-G. GRCh37 (hg19) VCF-style: chr14-75516078-C-G.
Other names: c.281G>C, p.Gly94Ala (NM_014381.3); short protein forms G94A.
Identifiers: ClinVar variation 4055513 (VCV004055513.1).